The following is an entry in ClinVar:

NC_000002.11:g.(?_163123710)_(163174817_?)del

Gene: IFIH1 (interferon induced with helicase C domain 1; minus strand). Cytogenetic location: 2q24.2.
Variant type: Deletion.
Identifiers: ClinVar variation 1434091 (VCV001434091.5).

ClinVar aggregate classification (germline): Uncertain significance (1 of 4 stars; one submission).

Conditions:
Singleton-Merten syndrome 1 (SGMRT1). Also called: Widened medullary cavities of bone, aortic calcification, abnormal dentition, and muscular weakness; Syndrome of widened medullary cavities of the metacarpals and phalanges, aortic calcification and abnormal dentition. Identifiers: Orphanet 85191, MedGen C4225427, MONDO:0024535, OMIM 182250.
Aicardi-Goutieres syndrome 7 (AGS7). Identifiers: Orphanet 51, MedGen C3888244, MONDO:0014367, OMIM 615846.

Submission:

Labcorp Genetics (formerly Invitae), Labcorp
Classification: Uncertain significance for Aicardi-Goutieres syndrome 7; Singleton-Merten syndrome 1. Last evaluated: 2023-12-21. Review status: criteria provided, single submitter. Criteria: Invitae Variant Classification Sherloc (09022015). Collection method: clinical testing. Allele origin: germline.
Comment: A gross deletion of the genomic region encompassing the full coding sequence of the IFIH1 gene has been identified. The current clinical and genetic evidence is not sufficient to establish whether loss-of-function variants in IFIH1 cause disease. The boundaries of this event are unknown as they extend beyond the assayed region for this gene and therefore may encompass additional genes. This variant has not been reported in the literature in individuals affected with IFIH1-related conditions. A similar copy number variant has been observed in at least one individual who was not affected with IFIH1-related conditions (Invitae). In summary, the available evidence is currently insufficient to determine the role of this variant in disease. Therefore, it has been classified as a Variant of Uncertain Significance.